The following is an entry in ClinVar:

ClinVar aggregate classification (germline): Conflicting classifications of pathogenicity. Review status: criteria provided, conflicting classifications (1 of 4 stars). 3 submissions from 3 submitters: Uncertain significance (2); Benign (1). Last evaluated 2026-01-25.

Conditions:
Creatine transporter deficiency (CCDS1). Also called: Mental retardation , X-linked with seizures, short stature and midface hypoplasia; Mental retardation , X-linked, with creatine transport deficiency; X-linked creatine transporter deficiency; X-linked creatine deficiency syndrome; SLC6A8-Related Creatine Transporter Deficiency; CREATINE TRANSPORTER DEFECT. Identifiers: Orphanet 52503, MedGen C1845862, MONDO:0010305, OMIM 300352.

Submissions (3):

Labcorp Genetics (formerly Invitae), Labcorp
Classification: Benign for Creatine transporter deficiency. Last evaluated: 2026-01-25. Review status: criteria provided, single submitter. Criteria: Invitae Variant Classification Sherloc (09022015). Collection method: clinical testing. Allele origin: germline.

GeneDx
Classification: Uncertain significance. Last evaluated: 2024-03-04. Review status: criteria provided, single submitter. Criteria: GeneDx Variant Classification Process June 2021. Collection method: clinical testing. Allele origin: germline. Affected: yes.
Comment: Not observed at significant frequency in large population cohorts (gnomAD); In silico analysis supports that this missense variant does not alter protein structure/function; Has not been previously published as pathogenic or benign to our knowledge

Blueprint Genetics
Classification: Uncertain significance. Last evaluated: 2022-12-01. Review status: criteria provided, single submitter. Criteria: ACMG Guidelines, 2015. Collection method: clinical testing. Allele origin: germline.

NM_005629.4(SLC6A8):c.76G>C (p.Gly26Arg)

Gene: SLC6A8 (solute carrier family 6 member 8; plus strand). Cytogenetic location: Xq28.
Variant type: single nucleotide variant.
Coding change: c.76G>C on transcript NM_005629.4 (MANE Select); coding-DNA position 76, G replaced by C.
Protein change: p.Gly26Arg; replaces glycine 26 with arginine.
Molecular consequence: missense variant.
Genome position (GRCh38, 1-based): chrX:153,688,650, G>C. VCF-style: chrX-153688650-G-C. GRCh37 (hg19) VCF-style: chrX-152954105-G-C.
Other names: c.76G>C, p.Gly26Arg (NM_001142805.2); c.76G>C (NM_005629.3); short protein forms G26R.
Identifiers: ClinVar variation 2166077 (VCV002166077.6), dbSNP rs1233444890, ClinGen allele CA415076140.